The following is an entry in ClinVar:

NM_000214.3(JAG1):c.1827G>C (p.Ser609=)

Gene: JAG1 (jagged canonical Notch ligand 1; minus strand). Cytogenetic location: 20p12.2.
Variant type: single nucleotide variant.
Coding change: c.1827G>C on transcript NM_000214.3 (MANE Select); coding-DNA position 1827, G replaced by C.
Protein change: p.Ser609=; no amino-acid change (serine 609 retained).
Molecular consequence: synonymous variant.
Genome position (GRCh38, 1-based): chr20:10,646,997, C>G on the plus strand (G>C on the coding strand, the complement: JAG1 is on the minus strand). VCF-style: chr20-10646997-C-G. GRCh37 (hg19) VCF-style: chr20-10627645-C-G.
Identifiers: ClinVar variation 696487 (VCV000696487.14), dbSNP rs779802470, ClinGen allele CA9764744.

ClinVar aggregate classification (germline): Likely benign. Review status: criteria provided, multiple submitters, no conflicts (2 of 4 stars). 4 submissions from 4 submitters: Likely benign (4). Last evaluated 2026-01-27.

Conditions:
Alagille syndrome due to a JAG1 point mutation. Also called: Alagille Syndrome 1; HEPATIC DUCTULAR HYPOPLASIA, SYNDROMATIC; JAG1-Related Alagille Syndrome. Identifiers: Orphanet 261619, Orphanet 52, MedGen C1956125, MONDO:0016862, OMIM 118450.
JAG1-related disorder. Also called: JAG1-related condition; JAG1-related disorders.
Cardiovascular phenotype. Identifiers: MedGen CN230736.

Allele frequency attached by ClinVar (database versions not stated): TOPMed 0.00002.
gnomAD v4.1: 16 of 1,614,162 alleles (0.00099%); highest among the groups gnomAD compares: Admixed American, 0.018%; no homozygotes.

Submissions (4):

Labcorp Genetics (formerly Invitae), Labcorp
Classification: Likely benign for Alagille syndrome due to a JAG1 point mutation. Last evaluated: 2026-01-27. Review status: criteria provided, single submitter. Criteria: Invitae Variant Classification Sherloc (09022015). Collection method: clinical testing. Allele origin: germline.

PreventionGenetics, part of Exact Sciences
Classification: Likely benign for JAG1-related condition. Last evaluated: 2025-08-05. Review status: criteria provided, single submitter. Criteria: ACMG Guidelines, 2015. Collection method: clinical testing. Allele origin: germline.
Comment: This variant is classified as likely benign based on ACMG/AMP sequence variant interpretation guidelines (Richards et al. 2015 PMID: 25741868, with internal and published modifications).

Ambry Genetics
Classification: Likely benign for Cardiovascular phenotype. Last evaluated: 2022-07-25. Review status: criteria provided, single submitter. Criteria: Ambry Variant Classification Scheme 2023. Collection method: clinical testing. Allele origin: germline.

Blueprint Genetics
Classification: Likely benign. Last evaluated: 2021-03-24. Review status: criteria provided, single submitter. Criteria: ACMG Guidelines, 2015. Collection method: clinical testing. Allele origin: germline.